The following is an entry in ClinVar:

NM_003738.5(PTCH2):c.1669C>T (p.Arg557Cys)

Gene: PTCH2 (patched 2; minus strand). Cytogenetic location: 1p34.1.
Variant type: single nucleotide variant.
Coding change: c.1669C>T on transcript NM_003738.5 (MANE Select); coding-DNA position 1669, C replaced by T.
Protein change: p.Arg557Cys; replaces arginine 557 with cysteine.
Molecular consequence: missense variant.
Genome position (GRCh38, 1-based): chr1:44,828,336, G>A on the plus strand (C>T on the coding strand, the complement: PTCH2 is on the minus strand). VCF-style: chr1-44828336-G-A. GRCh37 (hg19) VCF-style: chr1-45294008-G-A.
Other names: c.1669C>T, p.Arg557Cys (NM_001166292.2); short protein forms R557C.
Identifiers: ClinVar variation 2048580 (VCV002048580.5), dbSNP rs765876309, ClinGen allele CA823214.

ClinVar aggregate classification (germline): Uncertain significance. Review status: criteria provided, multiple submitters, no conflicts (2 of 4 stars). 2 submissions from 2 submitters: Uncertain significance (2). Last evaluated 2024-08-14.

Conditions:
Gorlin syndrome. Also called: Basal cell nevus syndrome; Nevoid Basal Cell Carcinoma Syndrome. Identifiers: Orphanet 377, MedGen C0004779, MONDO:0007187.
Basal cell nevus syndrome 1 (BCNS1). Also called: GORLIN-GOLTZ SYNDROME; MULTIPLE BASAL CELL NEVI, ODONTOGENIC KERATOCYSTS, AND SKELETAL ANOMALIES. Identifiers: MedGen CN376810, MONDO:0958174, OMIM 109400.

Allele frequency attached by ClinVar (database versions not stated): ExAC 0.00001; gnomAD 0.00001; TOPMed 0.00002.
gnomAD v4.1: 13 of 1,613,914 alleles (0.00081%); highest among the groups gnomAD compares: South Asian, 0.0022%; no homozygotes.

Submissions (2):

St. Jude Molecular Pathology, St. Jude Children's Research Hospital
Classification: Uncertain significance for Basal cell nevus syndrome 1. Last evaluated: 2024-08-14. Review status: criteria provided, single submitter. Criteria: St. Jude Assertion Criteria 2020. Collection method: clinical testing. Allele origin: germline.
Comment: The PTCH2 c.1669C>T (p.Arg557Cys) missense change has a maximum subpopulation frequency of 0.01% in gnomAD v2.1.1. The in silico tool REVEL predicts a deleterious effect on protein function, but this prediction has not been confirmed by functional studies. This variant has not been reported in individuals with nevoid basal cell carcinoma syndrome.??In summary, the evidence currently available is insufficient to determine the clinical significance of this variant. It has therefore been classified as of uncertain significance.??

Labcorp Genetics (formerly Invitae), Labcorp
Classification: Uncertain significance for Gorlin syndrome. Last evaluated: 2024-07-15. Review status: criteria provided, single submitter. Criteria: Invitae Variant Classification Sherloc (09022015). Collection method: clinical testing. Allele origin: germline.
Comment: This sequence change replaces arginine, which is basic and polar, with cysteine, which is neutral and slightly polar, at codon 557 of the PTCH2 protein (p.Arg557Cys). This variant is present in population databases (rs765876309, gnomAD 0.004%). This variant has not been reported in the literature in individuals affected with PTCH2-related conditions. ClinVar contains an entry for this variant (Variation ID: 2048580). Advanced modeling of protein sequence and biophysical properties (such as structural, functional, and spatial information, amino acid conservation, physicochemical variation, residue mobility, and thermodynamic stability) performed at Invitae indicates that this missense variant is expected to disrupt PTCH2 protein function with a positive predictive value of 80%. In summary, the available evidence is currently insufficient to determine the role of this variant in disease. Therefore, it has been classified as a Variant of Uncertain Significance.